The following is an entry in ClinVar:

NM_001037.5(SCN1B):c.448+25T>C

Gene: SCN1B (sodium voltage-gated channel beta subunit 1; plus strand). Cytogenetic location: 19q13.11.
Variant type: single nucleotide variant.
Coding change: c.448+25T>C on transcript NM_001037.5 (MANE Select); 25 bases into the intron after coding-DNA position 448, T replaced by C.
Molecular consequence: intron variant. On other transcripts: missense variant (1).
Genome position (GRCh38, 1-based): chr19:35,033,764, T>C. VCF-style: chr19-35033764-T-C. GRCh37 (hg19) VCF-style: chr19-35524668-T-C.
Other names: c.473T>C, p.Phe158Ser (NM_199037.5); c.349+25T>C (NM_001321605.2); short protein forms F158S.
Identifiers: ClinVar variation 2413891 (VCV002413891.6), dbSNP rs1416590279, ClinGen allele CA405329121.

ClinVar aggregate classification (germline): Uncertain significance (1 of 4 stars; one submission).

Conditions:
Brugada syndrome 5 (BRGDA5). Identifiers: Orphanet 130, Orphanet 871, MedGen C2748541, MONDO:0013015, OMIM 612838.

Allele frequency attached by ClinVar (database versions not stated): gnomAD exomes 0.00001.
gnomAD v4.1: 7 of 1,613,870 alleles (0.00043%); highest among the groups gnomAD compares: Non-Finnish European, 0.00059%; no homozygotes.

Submission:

Labcorp Genetics (formerly Invitae), Labcorp
Classification: Uncertain significance for Brugada syndrome 5. Last evaluated: 2022-03-12. Review status: criteria provided, single submitter. Criteria: Invitae Variant Classification Sherloc (09022015). Collection method: clinical testing. Allele origin: germline.
Comment: In summary, the available evidence is currently insufficient to determine the role of this variant in disease. Therefore, it has been classified as a Variant of Uncertain Significance. Algorithms developed to predict the effect of missense changes on protein structure and function are either unavailable or do not agree on the potential impact of this missense change (SIFT: "Deleterious"; PolyPhen-2: "Possibly Damaging"; Align-GVGD: "Class C0"). This variant has not been reported in the literature in individuals affected with SCN1B-related conditions. This variant is present in population databases (no rsID available, gnomAD 0.0009%). This sequence change replaces phenylalanine, which is neutral and non-polar, with serine, which is neutral and polar, at codon 158 of the SCN1B protein (p.Phe158Ser).